The following is an entry in ClinVar:

NM_032242.4(PLXNA1):c.3592A>G (p.Thr1198Ala)

Gene: PLXNA1 (plexin A1; plus strand). Cytogenetic location: 3q21.3.
Variant type: single nucleotide variant.
Coding change: c.3592A>G on transcript NM_032242.4 (MANE Select); coding-DNA position 3592, A replaced by G.
Protein change: p.Thr1198Ala; replaces threonine 1198 with alanine.
Molecular consequence: missense variant.
Genome position (GRCh38, 1-based): chr3:127,017,824, A>G. VCF-style: chr3-127017824-A-G. GRCh37 (hg19) VCF-style: chr3-126736667-A-G.
Other names: short protein forms T1198A.
Identifiers: ClinVar variation 3357890 (VCV003357890.1).
Genomic context (GRCh38, chr3:127,017,824, plus strand): 5'-CCACCTGCACCCGGCAACTCCCGACTCAACTACACGGTGCTCATCGGCTCCACACCCTGT[A>G]CCCTCACCGTGTCGGAGACGCAACTGCTGTGCGAGGCGCCCAACCTCACTGGGCAGCACA-3'
Protein context (NP_115618.3, residues 1188-1208): YTVLIGSTPC[Thr1198Ala]LTVSETQLLC

ClinVar aggregate classification (germline): Uncertain significance (0 of 4 stars; one submission).

Conditions:
PLXNA1-related disorder. Also called: PLXNA1-related condition.

gnomAD v4.1: 14 of 1,612,832 alleles (0.00087%); highest among the groups gnomAD compares: African/African-American, 0.0013%; no homozygotes.

Submission:

PreventionGenetics, part of Exact Sciences
Classification: Uncertain significance for PLXNA1-related condition. Last evaluated: 2024-04-03. Review status: no assertion criteria provided. Collection method: clinical testing. Allele origin: germline.
Comment: The PLXNA1 c.3592A>G variant is predicted to result in the amino acid substitution p.Thr1198Ala. To our knowledge, this variant has not been reported in the literature or in a large population database, indicating this variant is rare. At this time, the clinical significance of this variant is uncertain due to the absence of conclusive functional and genetic evidence.